The following is an entry in ClinVar:

ClinVar aggregate classification (germline): Uncertain significance (1 of 4 stars; one submission).

Allele frequency attached by ClinVar (database versions not stated): TOPMed 0.00001.

Submission:

Labcorp Genetics (formerly Invitae), Labcorp
Classification: Uncertain significance. Last evaluated: 2022-06-20. Review status: criteria provided, single submitter. Criteria: Invitae Variant Classification Sherloc (09022015). Collection method: clinical testing. Allele origin: germline.
Comment: In summary, the available evidence is currently insufficient to determine the role of this variant in disease. Therefore, it has been classified as a Variant of Uncertain Significance. Algorithms developed to predict the effect of missense changes on protein structure and function (SIFT, PolyPhen-2, Align-GVGD) all suggest that this variant is likely to be disruptive. This variant has not been reported in the literature in individuals affected with USH2A-related conditions. This variant is not present in population databases (gnomAD no frequency). This sequence change replaces proline, which is neutral and non-polar, with serine, which is neutral and polar, at codon 3705 of the USH2A protein (p.Pro3705Ser).

NM_206933.4(USH2A):c.11113C>T (p.Pro3705Ser)

Gene: USH2A (usherin; minus strand). Cytogenetic location: 1q41.
Variant type: single nucleotide variant.
Coding change: c.11113C>T on transcript NM_206933.4 (MANE Select); coding-DNA position 11113, C replaced by T.
Protein change: p.Pro3705Ser; replaces proline 3705 with serine.
Molecular consequence: missense variant.
Genome position (GRCh38, 1-based): chr1:215,759,778, G>A on the plus strand (C>T on the coding strand, the complement: USH2A is on the minus strand). VCF-style: chr1-215759778-G-A. GRCh37 (hg19) VCF-style: chr1-215933120-G-A.
Other names: short protein forms P3705S.
Identifiers: ClinVar variation 1466334 (VCV001466334.8), dbSNP rs868610068, ClinGen allele CA37426037.